The following is an entry in ClinVar:

ClinVar aggregate classification (germline): Uncertain significance (1 of 4 stars; one submission).

gnomAD v4.1: 1 of 1,612,782 alleles (0.000062%); highest among the groups gnomAD compares: Admixed American, 0.0017%; no homozygotes.

Submission:

Labcorp Genetics (formerly Invitae), Labcorp
Classification: Uncertain significance. Last evaluated: 2024-02-24. Review status: criteria provided, single submitter. Criteria: Invitae Variant Classification Sherloc (09022015). Collection method: clinical testing. Allele origin: germline.
Comment: This sequence change replaces glycine, which is neutral and non-polar, with tryptophan, which is neutral and slightly polar, at codon 393 of the CDT1 protein (p.Gly393Trp). This variant is not present in population databases (gnomAD no frequency). This variant has not been reported in the literature in individuals affected with CDT1-related conditions. ClinVar contains an entry for this variant (Variation ID: 1348063). An algorithm developed to predict the effect of missense changes on protein structure and function (PolyPhen-2) suggests that this variant is likely to be disruptive. In summary, the available evidence is currently insufficient to determine the role of this variant in disease. Therefore, it has been classified as a Variant of Uncertain Significance.

NM_030928.4(CDT1):c.1177G>T (p.Gly393Trp)

Gene: CDT1 (chromatin licensing and DNA replication factor 1; plus strand). Cytogenetic location: 16q24.3.
Variant type: single nucleotide variant.
Coding change: c.1177G>T on transcript NM_030928.4 (MANE Select); coding-DNA position 1177, G replaced by T.
Protein change: p.Gly393Trp; replaces glycine 393 with tryptophan.
Molecular consequence: missense variant.
Genome position (GRCh38, 1-based): chr16:88,807,105, G>T. VCF-style: chr16-88807105-G-T. GRCh37 (hg19) VCF-style: chr16-88873513-G-T.
Other names: short protein forms G393W.
Identifiers: ClinVar variation 1348063 (VCV001348063.6), dbSNP rs531159541, ClinGen allele CA397081344.